The following is an entry in ClinVar:

ClinVar aggregate classification (germline): Uncertain significance. Review status: criteria provided, multiple submitters, no conflicts (2 of 4 stars). 6 submissions from 3 submitters: Uncertain significance (6). Last evaluated 2024-03-25.

Conditions:
Multiple endocrine neoplasia, type 2 (MEN2). Identifiers: Orphanet 653, MedGen C4048306, MONDO:0019003. Disease mechanism: gain of function.
Hirschsprung disease, susceptibility to, 1 (HSCR1). Also called: RET-Related Hirschsprung Disease. Identifiers: Orphanet 388, MedGen C3888239, MONDO:0007723, OMIM 142623.
Pheochromocytoma. Also called: MAX-Related Hereditary Paraganglioma-Pheochromocytoma Syndrome. Identifiers: Orphanet 29072, MedGen C0031511, MONDO:0008233, OMIM 171300, HP:0002666.
Multiple endocrine neoplasia. Identifiers: Orphanet 276161, MedGen C0027662, MONDO:0017169.
Renal hypodysplasia/aplasia 1 (RHDA1). Also called: RENAL APLASIA; HEREDITARY RENAL APLASIA. Identifiers: Orphanet 411709, MedGen C1619700, MONDO:0024519, OMIM 191830.
Hereditary cancer-predisposing syndrome. Also called: Hereditary neoplastic syndrome; Tumor predisposition; Neoplastic Syndromes, Hereditary; Hereditary Cancer Syndrome. Identifiers: Orphanet 140162, MedGen C0027672, MeSH D009386, MONDO:0015356.

Allele frequency attached by ClinVar (database versions not stated): TOPMed below 0.00001; gnomAD 0.00001; gnomAD exomes 0.00002.
gnomAD v4.1: 27 of 1,614,016 alleles (0.0017%); highest among the groups gnomAD compares: Middle Eastern, 0.016%; 1 homozygote.

Submissions (6):

Ambry Genetics
Classification: Uncertain significance for Hereditary cancer-predisposing syndrome. Last evaluated: 2024-03-25. Review status: criteria provided, single submitter. Criteria: Ambry Variant Classification Scheme 2023. Collection method: clinical testing. Allele origin: germline.
Comment: The p.N199S variant (also known as c.596A>G), located in coding exon 3 of the RET gene, results from an A to G substitution at nucleotide position 596. The asparagine at codon 199 is replaced by serine, an amino acid with highly similar properties. This amino acid position is highly conserved in available vertebrate species. In addition, this alteration is predicted to be tolerated by in silico analysis. Since supporting evidence is limited at this time, the clinical significance of this alteration remains unclear.

Labcorp Genetics (formerly Invitae), Labcorp
Classification: Uncertain significance for Multiple endocrine neoplasia, type 2. Last evaluated: 2022-08-23. Review status: criteria provided, single submitter. Criteria: Invitae Variant Classification Sherloc (09022015). Collection method: clinical testing. Allele origin: germline.
Comment: In summary, the available evidence is currently insufficient to determine the role of this variant in disease. Therefore, it has been classified as a Variant of Uncertain Significance. Algorithms developed to predict the effect of sequence changes on RNA splicing suggest that this variant may create or strengthen a splice site. Algorithms developed to predict the effect of missense changes on protein structure and function are either unavailable or do not agree on the potential impact of this missense change (SIFT: "Tolerated"; PolyPhen-2: "Possibly Damaging"; Align-GVGD: "Class C0"). ClinVar contains an entry for this variant (Variation ID: 299889). This variant has not been reported in the literature in individuals affected with RET-related conditions. This variant is not present in population databases (gnomAD no frequency). This sequence change replaces asparagine, which is neutral and polar, with serine, which is neutral and polar, at codon 199 of the RET protein (p.Asn199Ser).

Illumina Laboratory Services, Illumina
Classification: Uncertain significance for Multiple endocrine neoplasia. Last evaluated: 2018-01-13. Review status: criteria provided, single submitter. Criteria: ICSL Variant Classification Criteria 13 December 2019. Collection method: clinical testing. Allele origin: germline.

Illumina Laboratory Services, Illumina
Classification: Uncertain significance for Pheochromocytoma. Last evaluated: 2018-01-13. Review status: criteria provided, single submitter. Criteria: ICSL Variant Classification Criteria 13 December 2019. Collection method: clinical testing. Allele origin: germline.

Illumina Laboratory Services, Illumina
Classification: Uncertain significance for Renal hypodysplasia/aplasia 1. Last evaluated: 2018-01-13. Review status: criteria provided, single submitter. Criteria: ICSL Variant Classification Criteria 13 December 2019. Collection method: clinical testing. Allele origin: germline.

Illumina Laboratory Services, Illumina
Classification: Uncertain significance for Hirschsprung disease, susceptibility to, 1. Last evaluated: 2018-01-13. Review status: criteria provided, single submitter. Criteria: ICSL Variant Classification Criteria 13 December 2019. Collection method: clinical testing. Allele origin: germline.

NM_020975.6(RET):c.596A>G (p.Asn199Ser)

Gene: RET (ret proto-oncogene; plus strand). Cytogenetic location: 10q11.21.
Variant type: single nucleotide variant.
Coding change: c.596A>G on transcript NM_020975.6 (MANE Select); coding-DNA position 596, A replaced by G.
Protein change: p.Asn199Ser; replaces asparagine 199 with serine.
Molecular consequence: missense variant.
Genome position (GRCh38, 1-based): chr10:43,102,600, A>G. VCF-style: chr10-43102600-A-G. GRCh37 (hg19) VCF-style: chr10-43598048-A-G.
Other names: c.596A>G, p.Asn199Ser (NM_000323.2, NM_001406743.1, NM_001406744.1 and 16 more transcripts); c.467A>G, p.Asn156Ser (NM_001406761.1, NM_001406762.1, NM_001406764.1 and 4 more transcripts); short protein forms N199S, N156S.
Identifiers: ClinVar variation 299889 (VCV000299889.13), dbSNP rs886046986, ClinGen allele CA10635327.
Genomic context (GRCh38, chr10:43,102,600, plus strand): 5'-ACCGACCCCCAGGCACCTTCCACCAGTTCCGCCTGCTGCCTGTGCAGTTCTTGTGCCCCA[A>G]CATCAGCGTGGCCTACAGGCTCCTGGAGGGTGAGTGCCGACCTTGTGGGGCCGCCCCACA-3'
Protein context (NP_066124.1, residues 189-209): RLLPVQFLCP[Asn199Ser]ISVAYRLLEG